The following is an entry in ClinVar:

NM_001267052.2(UNC45B):c.235G>T (p.Ala79Ser)

Gene: UNC45B (unc-45 myosin chaperone B; plus strand). Cytogenetic location: 17q12.
Variant type: single nucleotide variant.
Coding change: c.235G>T on transcript NM_001267052.2 (MANE Select); coding-DNA position 235, G replaced by T.
Protein change: p.Ala79Ser; replaces alanine 79 with serine.
Molecular consequence: missense variant.
Genome position (GRCh38, 1-based): chr17:35,150,077, G>T. VCF-style: chr17-35150077-G-T. GRCh37 (hg19) VCF-style: chr17-33477096-G-T.
Other names: c.235G>T, p.Ala79Ser (NM_001033576.2, NM_001308281.1, NM_173167.3); short protein forms A79S.
Identifiers: ClinVar variation 4980625 (VCV004980625.1).

ClinVar aggregate classification (germline): Uncertain significance (1 of 4 stars; one submission).

Conditions:
UNC45B-related disorder. Also called: UNC45B-related condition.

gnomAD v4.1: 258 of 1,611,764 alleles (0.016%); highest among the groups gnomAD compares: Non-Finnish European, 0.02%; no homozygotes.

Submission:

PreventionGenetics, part of Exact Sciences
Classification: Uncertain significance for UNC45B-related condition. Last evaluated: 2026-07-13. Review status: criteria provided, single submitter. Criteria: ACMG Guidelines, 2015. Collection method: clinical testing. Allele origin: germline.
Comment: The UNC45B c.235G>T variant is predicted to result in the amino acid substitution p.Ala79Ser. To our knowledge, this variant has not been reported in the literature. This variant is present in 0.020% of alleles in individuals of East Asian descent in gnomAD. At this time, the clinical significance of this variant is uncertain due to the absence of conclusive functional and genetic evidence.